The following is an entry in ClinVar:

ClinVar aggregate classification (germline): Likely benign. Review status: criteria provided, single submitter (1 of 4 stars). 2 submissions from 2 submitters: Likely benign (1). 1 of the submissions does not count toward it. Last evaluated 2018-05-31.

Conditions:
ERBB3-related disorder. Also called: ERBB3-related condition.

Allele frequency attached by ClinVar (database versions not stated): ExAC 0.00007; gnomAD exomes 0.00007 and 0.00011; TOPMed 0.00009; gnomAD 0.00014 and 0.00015; 1000 Genomes Project 30x 0.00031; 1000 Genomes Project 0.00040.
gnomAD v4.1: 183 of 1,613,976 alleles (0.011%); highest among the groups gnomAD compares: Admixed American, 0.012%; no homozygotes.

Submissions (2):

Labcorp Genetics (formerly Invitae), Labcorp
Classification: Likely benign. Last evaluated: 2018-05-31. Review status: criteria provided, single submitter. Criteria: Invitae Variant Classification Sherloc (09022015). Collection method: clinical testing. Allele origin: germline.

PreventionGenetics, part of Exact Sciences
Classification: Likely benign for ERBB3-related condition. Last evaluated: 2019-06-01. Review status: no assertion criteria provided. Collection method: clinical testing. Allele origin: germline. Not counted in ClinVar's aggregate classification.
Comment: This variant is classified as likely benign based on ACMG/AMP sequence variant interpretation guidelines (Richards et al. 2015 PMID: 25741868, with internal and published modifications).

NM_001982.4(ERBB3):c.231G>A (p.Leu77=)

Gene: ERBB3 (erb-b2 receptor tyrosine kinase 3; plus strand). Cytogenetic location: 12q13.2.
Variant type: single nucleotide variant.
Coding change: c.231G>A on transcript NM_001982.4 (MANE Select); coding-DNA position 231, G replaced by A.
Protein change: p.Leu77=; no amino-acid change (leucine 77 retained).
Molecular consequence: synonymous variant.
Genome position (GRCh38, 1-based): chr12:56,083,899, G>A. VCF-style: chr12-56083899-G-A. GRCh37 (hg19) VCF-style: chr12-56477683-G-A.
Other names: c.231G>A, p.Leu77= (NM_001005915.1).
Identifiers: ClinVar variation 749701 (VCV000749701.5), dbSNP rs199806001, ClinGen allele CA6621862.